The following is an entry in ClinVar:

ClinVar aggregate classification (germline): Uncertain significance. Review status: criteria provided, multiple submitters, no conflicts (2 of 4 stars). 5 submissions from 5 submitters: Uncertain significance (5). Last evaluated 2026-06-10.

Conditions:
Charcot-Marie-Tooth disease type 4. Also called: Charcot-Marie-Tooth disease, type IV; Charcot-Marie-Tooth, Type 4. Identifiers: Orphanet 64749, MedGen C4082197, MONDO:0018995.
Charcot-Marie-Tooth disease. Also called: Charcot-Marie-Tooth Hereditary Neuropathy; Charcot-Marie-Tooth Neuropathy. Identifiers: Orphanet 166, MedGen C0007959, MONDO:0015626.

Allele frequency attached by ClinVar (database versions not stated): gnomAD exomes 0.00001 and 0.00003; ExAC 0.00001; TOPMed 0.00001; gnomAD 0.00001.
gnomAD v4.1: 43 of 1,612,808 alleles (0.0027%); highest among the groups gnomAD compares: Non-Finnish European, 0.0035%; no homozygotes.

Submissions (5):

Women's Health and Genetics/Laboratory Corporation of America, LabCorp
Classification: Uncertain significance. Last evaluated: 2026-06-10. Review status: criteria provided, single submitter. Criteria: LabCorp Variant Classification Summary - May 2015. Collection method: clinical testing. Allele origin: germline.
Comment: Variant summary: SBF2 c.87G>C (p.Gln29His) results in a non-conservative amino acid change in the encoded protein sequence. Algorithms developed to predict the effect of missense changes on protein structure and function are either unavailable or do not agree on the potential impact of this missense change. The variant allele was found at a frequency of 1.2e-05 in 251338 control chromosomes. The available data on variant occurrences in the general population are insufficient to allow any conclusion about variant significance. c.87G>C has been observed in at least one individual(s) affected with SBF2-related conditions (Volodarsky_2021). This report does not provide unequivocal conclusions regarding the association between the variant and disease. To our knowledge, no experimental evidence demonstrating an impact on protein function has been reported. The following publication has been ascertained in the context of this evaluation (PMID: 32376792). ClinVar contains an entry for this variant (Variation ID: 500597). Based on the evidence outlined above, the variant was classified as uncertain significance.

Labcorp Genetics (formerly Invitae), Labcorp
Classification: Uncertain significance for Charcot-Marie-Tooth disease type 4. Last evaluated: 2023-08-17. Review status: criteria provided, single submitter. Criteria: Invitae Variant Classification Sherloc (09022015). Collection method: clinical testing. Allele origin: germline.
Comment: This sequence change replaces glutamine, which is neutral and polar, with histidine, which is basic and polar, at codon 29 of the SBF2 protein (p.Gln29His). This variant is present in population databases (rs751336040, gnomAD 0.004%). This missense change has been observed in individual(s) with clinical features of Charcot-Marie-Tooth disease (PMID: 32376792). ClinVar contains an entry for this variant (Variation ID: 500597). Advanced modeling of protein sequence and biophysical properties (such as structural, functional, and spatial information, amino acid conservation, physicochemical variation, residue mobility, and thermodynamic stability) performed at Invitae indicates that this missense variant is expected to disrupt SBF2 protein function. In summary, the available evidence is currently insufficient to determine the role of this variant in disease. Therefore, it has been classified as a Variant of Uncertain Significance.

Mayo Clinic Laboratories, Mayo Clinic
Classification: Uncertain significance. Last evaluated: 2021-07-26. Review status: criteria provided, single submitter. Criteria: ACMG Guidelines, 2015. Collection method: clinical testing. Allele origin: germline.

Eurofins Ntd Llc (ga)
Classification: Uncertain significance. Last evaluated: 2017-03-08. Review status: criteria provided, single submitter. Criteria: EGL Classification Definitions 2015. Collection method: clinical testing. Allele origin: germline. Observed: 1 variant allele, 1 heterozygote.

Molecular Genetics Laboratory, London Health Sciences Centre
Classification: Uncertain significance for Charcot-Marie-Tooth disease. Review status: criteria provided, single submitter. Criteria: ACMG Guidelines, 2015. Collection method: clinical testing. Allele origin: germline. Affected: yes.

Literature cited by the submitters: PubMed 32376792 (cited by Women's Health and Genetics/Laboratory Corporation of America, LabCorp and Labcorp Genetics (formerly Invitae), Labcorp).

NM_030962.4(SBF2):c.87G>C (p.Gln29His)

Gene: SBF2 (SET binding factor 2; minus strand). Cytogenetic location: 11p15.4.
Variant type: single nucleotide variant.
Coding change: c.87G>C on transcript NM_030962.4 (MANE Select); coding-DNA position 87, G replaced by C.
Protein change: p.Gln29His; replaces glutamine 29 with histidine.
Molecular consequence: missense variant.
Genome position (GRCh38, 1-based): chr11:10,193,956, C>G on the plus strand (G>C on the coding strand, the complement: SBF2 is on the minus strand). VCF-style: chr11-10193956-C-G. GRCh37 (hg19) VCF-style: chr11-10215503-C-G.
Other names: p.Gln29His; c.87G>C, p.Gln29His (NM_001386339.1, NM_001386342.1); short protein forms Q29H.
Identifiers: ClinVar variation 500597 (VCV000500597.14), dbSNP rs751336040, ClinGen allele CA5882222.